The following is an entry in ClinVar:

NM_006279.5(ST3GAL3):c.348G>C (p.Lys116Asn)

Gene: ST3GAL3 (ST3 beta-galactoside alpha-2,3-sialyltransferase 3; plus strand). Cytogenetic location: 1p34.1.
Variant type: single nucleotide variant.
Coding change: c.348G>C on transcript NM_006279.5 (MANE Select); coding-DNA position 348, G replaced by C.
Protein change: p.Lys116Asn; replaces lysine 116 with asparagine.
Molecular consequence: missense variant. On other transcripts: non-coding transcript variant (8), intron variant (1).
Genome position (GRCh38, 1-based): chr1:43,894,428, G>C. VCF-style: chr1-43894428-G-C. GRCh37 (hg19) VCF-style: chr1-44360100-G-C.
Other names: c.348G>C, p.Lys116Asn (NM_001270459.2, NM_001350620.2, NM_174966.4 and 1 more transcripts); c.255G>C, p.Lys85Asn (NM_001270460.2); c.300G>C, p.Lys100Asn (NM_001270461.3, NM_001270464.3, NM_174969.4 and 1 more transcripts); c.207G>C, p.Lys69Asn (NM_001270462.3); c.345G>C, p.Lys115Asn (NM_001270463.3, NM_001270465.3); c.393G>C, p.Lys131Asn (NM_001350619.2, NM_174964.4, NM_174965.4); c.462G>C, p.Lys154Asn (NM_174971.5); c.255-35704G>C (NM_001270466.3); and 3 more; short protein forms K115N, K154N, K170N, K185N, K85N, K116N, K100N, K131N.
Identifiers: ClinVar variation 1387108 (VCV001387108.8), dbSNP rs1365012948, ClinGen allele CA340269647.

ClinVar aggregate classification (germline): Uncertain significance. Review status: criteria provided, multiple submitters, no conflicts (2 of 4 stars). 2 submissions from 2 submitters: Uncertain significance (2). Last evaluated 2023-07-17.

Conditions:
Early-infantile DEE. Also called: Early infantile epileptic encephalopathy with suppression bursts; Ohtahara syndrome; Early infantile epileptic encephalopathy. Identifiers: Orphanet 1934, MedGen C0393706, MONDO:0800491.
Developmental and epileptic encephalopathy, 15 (DEE15). Also called: Early infantile epileptic encephalopathy 15. Identifiers: Orphanet 3451, MedGen C3554316, MONDO:0014003, OMIM 615006.
Intellectual developmental disorder, autosomal recessive 12. Also called: Intellectual disability, autosomal recessive 12. Identifiers: Orphanet 88616, MedGen C1970200, MONDO:0012612, OMIM 611090.

gnomAD v4.1: 2 of 1,614,186 alleles (0.00012%); highest among the groups gnomAD compares: Admixed American, 0.0033%; no homozygotes.

Submissions (2):

Labcorp Genetics (formerly Invitae), Labcorp
Classification: Uncertain significance for Early-infantile DEE. Last evaluated: 2023-07-17. Review status: criteria provided, single submitter. Criteria: Invitae Variant Classification Sherloc (09022015). Collection method: clinical testing. Allele origin: germline.
Comment: This sequence change replaces lysine, which is basic and polar, with asparagine, which is neutral and polar, at codon 116 of the ST3GAL3 protein (p.Lys116Asn). This variant is present in population databases (no rsID available, gnomAD 0.003%). This variant has not been reported in the literature in individuals affected with ST3GAL3-related conditions. ClinVar contains an entry for this variant (Variation ID: 1387108). Advanced modeling of protein sequence and biophysical properties (such as structural, functional, and spatial information, amino acid conservation, physicochemical variation, residue mobility, and thermodynamic stability) performed at Invitae indicates that this missense variant is not expected to disrupt ST3GAL3 protein function. In summary, the available evidence is currently insufficient to determine the role of this variant in disease. Therefore, it has been classified as a Variant of Uncertain Significance.

Fulgent Genetics
Classification: Uncertain significance for Intellectual developmental disorder, autosomal recessive 12; Developmental and epileptic encephalopathy, 15. Last evaluated: 2021-07-12. Review status: criteria provided, single submitter. Criteria: ACMG Guidelines, 2015. Collection method: clinical testing. Allele origin: unknown.